The following is an entry in ClinVar:

NM_024795.4(TM4SF20):c.85C>T (p.Pro29Ser)

Gene: TM4SF20 (transmembrane 4 L six family member 20; minus strand). Cytogenetic location: 2q36.3.
Variant type: single nucleotide variant.
Coding change: c.85C>T on transcript NM_024795.4 (MANE Select); coding-DNA position 85, C replaced by T.
Protein change: p.Pro29Ser; replaces proline 29 with serine.
Molecular consequence: missense variant.
Genome position (GRCh38, 1-based): chr2:227,379,184, G>A on the plus strand (C>T on the coding strand, the complement: TM4SF20 is on the minus strand). VCF-style: chr2-227379184-G-A. GRCh37 (hg19) VCF-style: chr2-228243900-G-A.
Other names: short protein forms P29S.
Identifiers: ClinVar variation 4781610 (VCV004781610.1).

ClinVar aggregate classification (germline): Uncertain significance (1 of 4 stars; one submission).

Submission:

Labcorp Genetics (formerly Invitae), Labcorp
Classification: Uncertain significance. Last evaluated: 2025-10-01. Review status: criteria provided, single submitter. Criteria: Invitae Variant Classification Sherloc (09022015). Collection method: clinical testing. Allele origin: germline.
Comment: This sequence change replaces proline, which is neutral and non-polar, with serine, which is neutral and polar, at codon 29 of the TM4SF20 protein (p.Pro29Ser). This variant is not present in population databases (gnomAD no frequency). This variant has not been reported in the literature in individuals affected with TM4SF20-related conditions. An algorithm developed to predict the effect of missense changes on protein structure and function (PolyPhen-2) suggests that this variant is likely to be disruptive. In summary, the available evidence is currently insufficient to determine the role of this variant in disease. Therefore, it has been classified as a Variant of Uncertain Significance.